The following is an entry in ClinVar:

ClinVar aggregate classification (germline): Uncertain significance (1 of 4 stars; one submission).

Submission:

Labcorp Genetics (formerly Invitae), Labcorp
Classification: Uncertain significance. Last evaluated: 2025-08-09. Review status: criteria provided, single submitter. Criteria: Invitae Variant Classification Sherloc (09022015). Collection method: clinical testing. Allele origin: germline.
Comment: This sequence change replaces isoleucine, which is neutral and non-polar, with valine, which is neutral and non-polar, at codon 2624 of the HMCN1 protein (p.Ile2624Val). This variant is not present in population databases (gnomAD no frequency). This variant has not been reported in the literature in individuals affected with HMCN1-related conditions. An algorithm developed to predict the effect of missense changes on protein structure and function (PolyPhen-2) suggests that this variant is likely to be disruptive. In summary, the available evidence is currently insufficient to determine the role of this variant in disease. Therefore, it has been classified as a Variant of Uncertain Significance.

NM_031935.3(HMCN1):c.7870A>G (p.Ile2624Val)

Gene: HMCN1 (hemicentin 1; plus strand). Cytogenetic location: 1q31.1.
Variant type: single nucleotide variant.
Coding change: c.7870A>G on transcript NM_031935.3 (MANE Select); coding-DNA position 7870, A replaced by G.
Protein change: p.Ile2624Val; replaces isoleucine 2624 with valine.
Molecular consequence: missense variant.
Genome position (GRCh38, 1-based): chr1:186,067,998, A>G. VCF-style: chr1-186067998-A-G. GRCh37 (hg19) VCF-style: chr1-186037130-A-G.
Other names: short protein forms I2624V.
Identifiers: ClinVar variation 4780650 (VCV004780650.1).